The following is an entry in ClinVar:

NM_000059.4(BRCA2):c.6445A>C (p.Ile2149Leu)

Gene: BRCA2 (BRCA2 DNA repair associated; plus strand). Cytogenetic location: 13q13.1.
Variant type: single nucleotide variant.
Coding change: c.6445A>C on transcript NM_000059.4 (MANE Select); coding-DNA position 6445, A replaced by C.
Protein change: p.Ile2149Leu; replaces isoleucine 2149 with leucine.
Molecular consequence: missense variant.
Genome position (GRCh38, 1-based): chr13:32,340,800, A>C. VCF-style: chr13-32340800-A-C. GRCh37 (hg19) VCF-style: chr13-32914937-A-C.
Other names: short protein forms I2149L.
Identifiers: ClinVar variation 422716 (VCV000422716.7), dbSNP rs786202013, ClinGen allele CA16619745.
Genomic context (GRCh38, chr13:32,340,800, plus strand): 5'-GAATTTAAATTATCAAATAACTTAAATGTTGAAGGTGGTTCTTCAGAAAATAATCACTCT[A>C]TTAAAGTTTCTCCATATCTCTCTCAATTTCAACAAGACAAACAACAGTTGGTATTAGGAA-3'
Protein context (NP_000050.3, residues 2139-2159): EGGSSENNHS[Ile2149Leu]KVSPYLSQFQ

ClinVar aggregate classification (germline): Conflicting classifications of pathogenicity. Review status: criteria provided, conflicting classifications (1 of 4 stars). 3 submissions from 3 submitters: Uncertain significance (2); Likely benign (1). Last evaluated 2023-03-23.

Conditions:
Hereditary cancer-predisposing syndrome. Also called: Hereditary neoplastic syndrome; Neoplastic Syndromes, Hereditary; Tumor predisposition; Hereditary Cancer Syndrome. Identifiers: Orphanet 140162, MedGen C0027672, MeSH D009386, MONDO:0015356.

Submissions (3):

University of Washington Department of Laboratory Medicine, University of Washington
Classification: Likely benign for Hereditary cancer-predisposing syndrome. Last evaluated: 2023-03-23. Review status: criteria provided, single submitter. Criteria: Dines et al. (Genet Med. 2020). Collection method: curation. Allele origin: germline.
Comment: Missense variant in a coldspot region where missense variants are very unlikely to be pathogenic (PMID:31911673).

BRCA2 exon 11 coldspot. Reclassification based on statistical prior probability.

Color Diagnostics, LLC DBA Color Health
Classification: Uncertain significance for Hereditary cancer-predisposing syndrome. Last evaluated: 2019-07-22. Review status: criteria provided, single submitter. Criteria: ACMG Guidelines, 2015. Collection method: clinical testing. Allele origin: germline.
Comment: This missense variant replaces isoleucine with leucine at codon 2149 of the BRCA2 protein. Computational prediction tools and conservation analyses suggest that this variant may not impact the protein function. Computational splicing tools suggest that this variant may not impact RNA splicing. To our knowledge, functional assays have not been performed for this variant nor has this variant been reported in individuals affected with hereditary cancer in the literature. This variant has not been identified in the general population by the Genome Aggregation Database (gnomAD). Available evidence is insufficient to determine the role of this variant in disease conclusively. Therefore, this variant is classified as a Variant of Uncertain Significance.

GeneDx
Classification: Uncertain significance. Last evaluated: 2016-11-09. Review status: criteria provided, single submitter. Criteria: GeneDx Variant Classification (06012015). Collection method: clinical testing. Allele origin: germline. Affected: yes.
Comment: This variant is denoted BRCA2 c.6445A>C at the cDNA level, p.Ile2149Leu (I2149L) at the protein level, and results in the change of an Isoleucine to a Leucine (ATT>CTT). Using alternate nomenclature, this variant would be defined as BRCA2 6673A>C. This variant has not, to our knowledge, been published in the literature as pathogenic or benign. BRCA2 Ile2149Leu was not observed in approximately 6,500 individuals of European and African American ancestry in the NHLBI Exome Sequencing Project, suggesting it is not a common benign variant in these populations. Since Isoleucine and Leucine share similar properties, this is considered a conservative amino acid substitution. BRCA2 Ile2149Leu occurs at a position that is not conserved and is not located in a known functional domain (Cole 2011, Yang 2002). In silico analyses predict that this variant is unlikely to alter protein structure or function. Based on currently available evidence, it is unclear whether BRCA2 Ile2149Leu is a pathogenic or benign variant. We consider it to be a variant of uncertain significance.